The following is an entry in ClinVar:

ClinVar aggregate classification (germline): Uncertain significance (1 of 4 stars; one submission).

gnomAD v4.1: 1 of 1,609,604 alleles (0.000062%); highest among the groups gnomAD compares: Non-Finnish European, 0.000085%; no homozygotes.

Submission:

Labcorp Genetics (formerly Invitae), Labcorp
Classification: Uncertain significance. Last evaluated: 2023-11-14. Review status: criteria provided, single submitter. Criteria: Invitae Variant Classification Sherloc (09022015). Collection method: clinical testing. Allele origin: germline.
Comment: This sequence change replaces threonine, which is neutral and polar, with alanine, which is neutral and non-polar, at codon 932 of the AHDC1 protein (p.Thr932Ala). This variant is not present in population databases (gnomAD no frequency). This variant has not been reported in the literature in individuals affected with AHDC1-related conditions. An algorithm developed to predict the effect of missense changes on protein structure and function (PolyPhen-2) suggests that this variant is likely to be tolerated. In summary, the available evidence is currently insufficient to determine the role of this variant in disease. Therefore, it has been classified as a Variant of Uncertain Significance.

NM_001371928.1(AHDC1):c.2794A>G (p.Thr932Ala)

Gene: AHDC1 (AT-hook DNA binding motif containing 1; minus strand). Cytogenetic location: 1p36.11.
Variant type: single nucleotide variant.
Coding change: c.2794A>G on transcript NM_001371928.1 (MANE Select); coding-DNA position 2794, A replaced by G.
Protein change: p.Thr932Ala; replaces threonine 932 with alanine.
Molecular consequence: missense variant.
Genome position (GRCh38, 1-based): chr1:27,549,322, T>C on the plus strand (A>G on the coding strand, the complement: AHDC1 is on the minus strand). VCF-style: chr1-27549322-T-C. GRCh37 (hg19) VCF-style: chr1-27875833-T-C.
Other names: c.2794A>G, p.Thr932Ala (NM_001029882.3); short protein forms T932A.
Identifiers: ClinVar variation 2801482 (VCV002801482.3), dbSNP rs761339410, ClinGen allele CA339229653.